The following is an entry in ClinVar:

ClinVar aggregate classification (germline): Uncertain significance. Review status: criteria provided, multiple submitters, no conflicts (2 of 4 stars). 3 submissions from 3 submitters: Uncertain significance (3). Last evaluated 2024-12-22.

Conditions:
Familial melanoma. Also called: Hereditary melanoma; Hereditary cutaneous melanoma. Identifiers: Orphanet 618, MedGen C1512419, MONDO:0018961.
Hereditary cancer-predisposing syndrome. Also called: Neoplastic Syndromes, Hereditary; Tumor predisposition; Hereditary Cancer Syndrome; Hereditary neoplastic syndrome. Identifiers: Orphanet 140162, MedGen C0027672, MeSH D009386, MONDO:0015356.

Allele frequency attached by ClinVar (database versions not stated): gnomAD exomes below 0.00001.
gnomAD v4.1: 1 of 1,611,728 alleles (0.000062%); highest among the groups gnomAD compares: Non-Finnish European, 0.000085%; no homozygotes.

Submissions (3):

Ambry Genetics
Classification: Uncertain significance for Hereditary cancer-predisposing syndrome. Last evaluated: 2024-12-22. Review status: criteria provided, single submitter. Criteria: Ambry Variant Classification Scheme 2023. Collection method: clinical testing. Allele origin: germline.
Comment: The p.V28M variant (also known as c.82G>A), located in coding exon 1 of the CDKN2A gene, results from a G to A substitution at nucleotide position 82. The valine at codon 28 is replaced by methionine, an amino acid with highly similar properties. This amino acid position is highly conserved in available vertebrate species. In addition, the in silico prediction for this alteration is inconclusive. Since supporting evidence is limited at this time, the clinical significance of this alteration remains unclear.

Labcorp Genetics (formerly Invitae), Labcorp
Classification: Uncertain significance for Familial melanoma. Last evaluated: 2024-12-18. Review status: criteria provided, single submitter. Criteria: Invitae Variant Classification Sherloc (09022015). Collection method: clinical testing. Allele origin: germline.
Comment: This sequence change replaces valine, which is neutral and non-polar, with methionine, which is neutral and non-polar, at codon 28 of the CDKN2A (p16INK4a) protein (p.Val28Met). This variant is not present in population databases (gnomAD no frequency). This variant has not been reported in the literature in individuals affected with CDKN2A (p16INK4a)-related conditions. ClinVar contains an entry for this variant (Variation ID: 827567). An algorithm developed to predict the effect of missense changes on protein structure and function (PolyPhen-2) suggests that this variant is likely to be disruptive. In summary, the available evidence is currently insufficient to determine the role of this variant in disease. Therefore, it has been classified as a Variant of Uncertain Significance.

GeneDx
Classification: Uncertain significance. Last evaluated: 2020-03-10. Review status: criteria provided, single submitter. Criteria: GeneDx Variant Classification Process June 2021. Collection method: clinical testing. Allele origin: germline. Affected: yes.
Comment: Not observed in large population cohorts (Lek 2016); In silico analysis supports that this missense variant does not alter protein structure/function; Has not been previously published as pathogenic or benign to our knowledge; This variant is associated with the following publications: (PMID: 9635831)

NM_000077.5(CDKN2A):c.82G>A (p.Val28Met)

Gene: CDKN2A (cyclin dependent kinase inhibitor 2A; minus strand). Cytogenetic location: 9p21.3.
Variant type: single nucleotide variant.
Coding change: c.82G>A on transcript NM_000077.5; coding-DNA position 82, G replaced by A.
Protein change: p.Val28Met; replaces valine 28 with methionine.
Molecular consequence: missense variant (on NM_000077.6). On other transcripts: intron variant (2).
Genome position (GRCh38, 1-based): chr9:21,974,746, C>T on the plus strand (G>A on the coding strand, the complement: CDKN2A is on the minus strand). VCF-style: chr9-21974746-C-T. GRCh37 (hg19) VCF-style: chr9-21974745-C-T.
Other names: c.82G>A, p.Val28Met (NM_000077.6, NM_001195132.2, NM_058197.5); c.-3-3538G>A (NM_001363763.2); c.194-3538G>A (NM_058195.4); short protein forms V28M.
Identifiers: ClinVar variation 827567 (VCV000827567.17), dbSNP rs876658895, ClinGen allele CA373086594.